The following is an entry in ClinVar:

ClinVar aggregate classification (germline): Uncertain significance. Review status: criteria provided, multiple submitters, no conflicts (2 of 4 stars). 2 submissions from 2 submitters: Uncertain significance (2). Last evaluated 2024-09-02.

Submissions (2):

Blueprint Genetics
Classification: Uncertain significance. Last evaluated: 2024-09-02. Review status: criteria provided, single submitter. Criteria: ACMG Guidelines, 2015. Collection method: clinical testing. Allele origin: germline.

Women's Health and Genetics/Laboratory Corporation of America, LabCorp
Classification: Uncertain significance. Last evaluated: 2024-07-02. Review status: criteria provided, single submitter. Criteria: LabCorp Variant Classification Summary - May 2015. Collection method: clinical testing. Allele origin: germline.
Comment: Variant summary: NEB c.10301C>T (p.Ser3434Phe) results in a non-conservative amino acid change in the encoded protein sequence. Three of five in-silico tools predict a benign effect of the variant on protein function. The variant was absent in 249218 control chromosomes. The available data on variant occurrences in the general population are insufficient to allow any conclusion about variant significance. To our knowledge, no occurrence of c.10301C>T in individuals affected with Nemaline Myopathy 2 and no experimental evidence demonstrating its impact on protein function have been reported. No submitters have cited clinical-significance assessments for this variant to ClinVar. Based on the evidence outlined above, the variant was classified as uncertain significance.

NM_001164508.2(NEB):c.10301C>T (p.Ser3434Phe)

Gene: NEB (nebulin; minus strand). Cytogenetic location: 2q23.3.
Variant type: single nucleotide variant.
Coding change: c.10301C>T on transcript NM_001164508.2 (MANE Select); coding-DNA position 10301, C replaced by T.
Protein change: p.Ser3434Phe; replaces serine 3434 with phenylalanine.
Molecular consequence: missense variant.
Genome position (GRCh38, 1-based): chr2:151,627,048, G>A on the plus strand (C>T on the coding strand, the complement: NEB is on the minus strand). VCF-style: chr2-151627048-G-A. GRCh37 (hg19) VCF-style: chr2-152483562-G-A.
Other names: c.10301C>T, p.Ser3434Phe (NM_001164507.2, NM_001271208.2); c.9572C>T, p.Ser3191Phe (NM_004543.5); short protein forms S3191F, S3434F.
Identifiers: ClinVar variation 3339219 (VCV003339219.2).